The following is an entry in ClinVar:

NM_001135649.3(FOXI3):c.145G>A (p.Ala49Thr)

Gene: FOXI3 (forkhead box I3; minus strand). Cytogenetic location: 2p11.2.
Variant type: single nucleotide variant.
Coding change: c.145G>A on transcript NM_001135649.3 (MANE Select); coding-DNA position 145, G replaced by A.
Protein change: p.Ala49Thr; replaces alanine 49 with threonine.
Molecular consequence: missense variant.
Genome position (GRCh38, 1-based): chr2:88,452,391, C>T on the plus strand (G>A on the coding strand, the complement: FOXI3 is on the minus strand). VCF-style: chr2-88452391-C-T. GRCh37 (hg19) VCF-style: chr2-88751909-C-T.
Other names: short protein forms A49T.
Identifiers: ClinVar variation 2831694 (VCV002831694.3), dbSNP rs1374808338, ClinGen allele CA347766965.

ClinVar aggregate classification (germline): Uncertain significance (1 of 4 stars; one submission).

Submission:

Labcorp Genetics (formerly Invitae), Labcorp
Classification: Uncertain significance. Last evaluated: 2024-07-22. Review status: criteria provided, single submitter. Criteria: Invitae Variant Classification Sherloc (09022015). Collection method: clinical testing. Allele origin: germline.
Comment: This sequence change replaces alanine, which is neutral and non-polar, with threonine, which is neutral and polar, at codon 49 of the FOXI3 protein (p.Ala49Thr). The frequency data for this variant in the population databases is considered unreliable, as metrics indicate insufficient coverage at this position in the gnomAD database. This variant has not been reported in the literature in individuals affected with FOXI3-related conditions. Experimental studies and prediction algorithms are not available or were not evaluated, and the functional significance of this variant is currently unknown. In summary, the available evidence is currently insufficient to determine the role of this variant in disease. Therefore, it has been classified as a Variant of Uncertain Significance.